The following is an entry in ClinVar:

NM_000204.5(CFI):c.1189_1190insAT (p.Val397fs)

Gene: CFI (complement factor I; minus strand). Cytogenetic location: 4q25.
Variant type: Insertion.
Coding change: c.1189_1190insAT on transcript NM_000204.5 (MANE Select); coding-DNA positions 1189 to 1190, AT inserted.
Protein change: p.Val397fs; shifts the reading frame from valine 397.
Molecular consequence: frameshift variant. On other transcripts: non-coding transcript variant (2).
Genome position: GRCh38 VCF-style: chr4-109746461-A-AAT. GRCh37 (hg19) VCF-style: chr4-110667617-A-AAT.
Other names: c.1213_1214insAT, p.Val405fs (NM_001318057.2, NM_001375278.1, NM_001440988.1); c.1168_1169insAT, p.Val390fs (NM_001331035.2, NM_001375280.1, NM_001375282.1 and 1 more transcripts); c.1189_1190insAT, p.Val397fs (NM_001375279.1, NM_001375281.1, NM_001440989.1); c.1132_1133insAT, p.Val378fs (NM_001375283.1); c.580_581insAT, p.Val194fs (NM_001375284.1); c.1210_1211insAT, p.Val404fs (NM_001440985.1, NM_001440986.1); short protein forms V194fs, V378fs, V390fs, V397fs, V404fs, V405fs.
Identifiers: ClinVar variation 4280469 (VCV004280469.1).
Genomic context (GRCh38, chr4:109,746,461, plus strand): 5'-AAAATAATTCTATCCACGTATTCAATTACTATACGTTTAAGGTCGGGGTGTATCCAGTCT[A>AAT]CTACTGTTGTCCATATTTGGTAACGATGAGTTTTACTGGCTCTATAACAGAAAAAAAAAG-3'

ClinVar aggregate classification (germline): Likely pathogenic, low penetrance (1 of 4 stars; one submission).

Conditions:
CFI-related disorder. Also called: CFI-related condition; CFI-related disorders. Identifiers: MedGen CN239325.

Submission:

Genomenon, Inc
Classification: Likely pathogenic, low penetrance for CFI-related disorder. Last evaluated: 2025-09-26. Review status: criteria provided, single submitter. Criteria: Genomenon Sequence Variant Interpretation Standards - Updated. Collection method: curation. Allele origin: germline. Affected: no.
Comment: CFI p.Val397AspfsTer2 (c.1189_1190insAT) is a frameshift variant that results in the production of a truncated protein which is predicted to undergo nonsense-mediated mRNA decay. This variant has been reported in the published literature (PMID:17089378). It is absent or not present at a significant frequency in gnomAD. In conclusion, we classify CFI p.Val397AspfsTer2 (c.1189_1190insAT) as a likely pathogenic, low penetrance variant.

Literature cited by the submitters: PubMed 17089378.